The following is an entry in ClinVar:

NM_000368.5(TSC1):c.1267G>A (p.Glu423Lys)

Gene: TSC1 (TSC complex subunit 1; minus strand). Cytogenetic location: 9q34.13.
Variant type: single nucleotide variant.
Coding change: c.1267G>A on transcript NM_000368.5 (MANE Select); coding-DNA position 1267, G replaced by A.
Protein change: p.Glu423Lys; replaces glutamic acid 423 with lysine.
Molecular consequence: missense variant. On other transcripts: non-coding transcript variant (5).
Genome position (GRCh38, 1-based): chr9:132,907,367, C>T on the plus strand (G>A on the coding strand, the complement: TSC1 is on the minus strand). VCF-style: chr9-132907367-C-T. GRCh37 (hg19) VCF-style: chr9-135782754-C-T.
Other names: c.313G>A, p.Glu105Lys (NM_001406627.1, NM_001406628.1); c.214G>A, p.Glu72Lys (NM_001406629.1, NM_001406630.1); c.1264G>A, p.Glu422Lys (NM_001162426.2, NM_001406597.1, NM_001406598.1 and 6 more transcripts); c.1114G>A, p.Glu372Lys (NM_001162427.2, NM_001406610.1); c.904G>A, p.Glu302Lys (NM_001362177.2, NM_001406614.1, NM_001406615.1 and 5 more transcripts); c.1267G>A, p.Glu423Lys (NM_001406592.1, NM_001406593.1, NM_001406594.1 and 7 more transcripts); c.901G>A, p.Glu301Lys (NM_001406620.1, NM_001406621.1, NM_001406622.1 and 2 more transcripts); c.316G>A, p.Glu106Lys (NM_001406626.1); and 1 more; short protein forms E105K, E423K, E72K, E106K, E301K, E302K, E422K, E371K.
Identifiers: ClinVar variation 2866133 (VCV002866133.3), dbSNP rs2131883064, ClinGen allele CA375366224.

ClinVar aggregate classification (germline): Uncertain significance (1 of 4 stars; one submission).

Conditions:
Tuberous sclerosis 1 (TSC1). Identifiers: Orphanet 805, MedGen C1854465, MONDO:0008612, OMIM 191100.

Submission:

Labcorp Genetics (formerly Invitae), Labcorp
Classification: Uncertain significance for Tuberous sclerosis 1. Last evaluated: 2023-05-20. Review status: criteria provided, single submitter. Criteria: Invitae Variant Classification Sherloc (09022015). Collection method: clinical testing. Allele origin: germline.
Comment: In summary, the available evidence is currently insufficient to determine the role of this variant in disease. Therefore, it has been classified as a Variant of Uncertain Significance. Advanced modeling of protein sequence and biophysical properties (such as structural, functional, and spatial information, amino acid conservation, physicochemical variation, residue mobility, and thermodynamic stability) performed at Invitae indicates that this missense variant is not expected to disrupt TSC1 protein function. This variant has not been reported in the literature in individuals affected with TSC1-related conditions. This variant is not present in population databases (gnomAD no frequency). This sequence change replaces glutamic acid, which is acidic and polar, with lysine, which is basic and polar, at codon 423 of the TSC1 protein (p.Glu423Lys).